The following is an entry in ClinVar:

ClinVar aggregate classification (germline): Uncertain significance (1 of 4 stars; one submission).

Conditions:
Pancreatic cancer, susceptibility to, 1. Identifiers: Orphanet 1333, MedGen C1847351, MONDO:0011739, OMIM 606856.

Submission:

Institute of Immunology and Genetics Kaiserslautern
Classification: Uncertain significance for Pancreatic cancer, susceptibility to, 1. Last evaluated: 2025-10-13. Review status: criteria provided, single submitter. Criteria: ACMG Guidelines, 2015. Collection method: clinical testing. Allele origin: germline. Affected: yes.
Comment: ACMG Criteria: PM2_P; PP3; Variant was found in heterozygous state.

NM_001166108.2(PALLD):c.1964+6T>G

Gene: PALLD (palladin, cytoskeletal associated protein; plus strand). Cytogenetic location: 4q32.3.
Variant type: single nucleotide variant.
Coding change: c.1964+6T>G on transcript NM_001166108.2 (MANE Select); 6 bases into the intron after coding-DNA position 1964, T replaced by G.
Molecular consequence: intron variant.
Genome position (GRCh38, 1-based): chr4:168,711,929, T>G. VCF-style: chr4-168711929-T-G. GRCh37 (hg19) VCF-style: chr4-169633080-T-G.
Other names: c.1964+6T>G (NM_016081.4); c.818+6T>G (NM_001166109.2).
Identifiers: ClinVar variation 4851436 (VCV004851436.1).